The following is an entry in ClinVar:

NM_001875.5(CPS1):c.2720C>A (p.Ala907Glu)

Gene: CPS1 (carbamoyl-phosphate synthase 1; plus strand). Cytogenetic location: 2q34.
Variant type: single nucleotide variant.
Coding change: c.2720C>A on transcript NM_001875.5 (MANE Select); coding-DNA position 2720, C replaced by A.
Protein change: p.Ala907Glu; replaces alanine 907 with glutamic acid.
Molecular consequence: missense variant. On other transcripts: non-coding transcript variant (2).
Genome position (GRCh38, 1-based): chr2:210,637,734, C>A. VCF-style: chr2-210637734-C-A. GRCh37 (hg19) VCF-style: chr2-211502458-C-A.
Other names: c.2720C>A, p.Ala907Glu (NM_001122633.3, NM_001369257.1); c.2753C>A, p.Ala918Glu (NM_001369256.1); short protein forms A907E, A918E.
Identifiers: ClinVar variation 933352 (VCV000933352.9), dbSNP rs1700081346, ClinGen allele CA350430890.
Genomic context (GRCh38, chr2:210,637,734, plus strand): 5'-TGAATCTCTCTTTTCTATTAAATCCTAGTGAGTCCATGACAGAAGAAACCCTGAAAAGGG[C>A]AAAGGAGATTGGGTTCTCAGATAAGCAGATTTCAAAATGCCTTGGGCTCACTGAGGCCCA-3'
Protein context (NP_001866.2, residues 897-917): ESMTEETLKR[Ala907Glu]KEIGFSDKQI

ClinVar aggregate classification (germline): Uncertain significance (1 of 4 stars; one submission).

Conditions:
Congenital hyperammonemia, type I. Also called: CPS I DEFICIENCY; Carbamoyl-phosphate synthase I deficiency; Carbamoyl phosphate synthetase 1 deficiency; Hyperammonemia due to carbamoyl phosphate synthetase 1 deficiency; CPS 1 deficiency; Carbamyl phosphate synthetase (CPS) deficiency. Identifiers: Orphanet 147, MedGen C4082171, MONDO:0009376, OMIM 237300.

Submission:

Labcorp Genetics (formerly Invitae), Labcorp
Classification: Uncertain significance for Congenital hyperammonemia, type I. Last evaluated: 2020-08-21. Review status: criteria provided, single submitter. Criteria: Invitae Variant Classification Sherloc (09022015). Collection method: clinical testing. Allele origin: germline.
Comment: This variant is not present in population databases (ExAC no frequency). This variant has not been reported in the literature in individuals with CPS1-related conditions. Algorithms developed to predict the effect of missense changes on protein structure and function are either unavailable or do not agree on the potential impact of this missense change (SIFT: "Deleterious"; PolyPhen-2: "Probably Damaging"; Align-GVGD: "Class C0"). In summary, the available evidence is currently insufficient to determine the role of this variant in disease. Therefore, it has been classified as a Variant of Uncertain Significance. This sequence change replaces alanine with glutamic acid at codon 907 of the CPS1 protein (p.Ala907Glu). The alanine residue is highly conserved and there is a moderate physicochemical difference between alanine and glutamic acid.